The following is an entry in ClinVar:

ClinVar aggregate classification (germline): Benign/Likely benign. Review status: criteria provided, multiple submitters, no conflicts (2 of 4 stars). 4 submissions from 4 submitters: Benign (2); Likely benign (2). Last evaluated 2026-04-16.

Conditions:
DICER1-related tumor predisposition. Also called: DICER1-related pleuropulmonary blastoma cancer predisposition syndrome; DICER1 syndrome. Identifiers: Orphanet 284343, MedGen C3839822, MONDO:0100216.
Pleuropulmonary blastoma (PPB). Identifiers: Orphanet 64742, MedGen C1266144, MONDO:0011014, OMIM 601200, HP:0100528.
Hereditary cancer-predisposing syndrome. Also called: Hereditary neoplastic syndrome; Neoplastic Syndromes, Hereditary; Hereditary Cancer Syndrome; Tumor predisposition. Identifiers: Orphanet 140162, MedGen C0027672, MeSH D009386, MONDO:0015356.

Allele frequency attached by ClinVar (database versions not stated): gnomAD exomes below 0.00001 and 0.00001.
gnomAD v4.1: 21 of 1,614,134 alleles (0.0013%); highest among the groups gnomAD compares: Middle Eastern, 0.016%; no homozygotes.

Submissions (4):

Myriad Genetics, Inc.
Classification: Benign for DICER1-related tumor predisposition. Last evaluated: 2026-04-16. Review status: criteria provided, single submitter. Criteria: Myriad Autosomal Dominant, Autosomal Recessive and X-Linked Classification Criteria (2023). Collection method: clinical testing. Allele origin: unknown.
Comment: This variant is considered benign. This variant is a silent/synonymous amino acid change and it is not expected to impact splicing.

Labcorp Genetics (formerly Invitae), Labcorp
Classification: Likely benign for DICER1-related tumor predisposition. Last evaluated: 2026-01-16. Review status: criteria provided, single submitter. Criteria: Invitae Variant Classification Sherloc (09022015). Collection method: clinical testing. Allele origin: germline.

KCCC/NGS Laboratory, Kuwait Cancer Control Center
Classification: Benign for Pleuropulmonary blastoma. Last evaluated: 2025-02-01. Review status: criteria provided, single submitter. Criteria: ACMG Guidelines, 2015. Collection method: clinical testing. Allele origin: germline. Affected: no.

Ambry Genetics
Classification: Likely benign for Hereditary cancer-predisposing syndrome. Last evaluated: 2017-07-20. Review status: criteria provided, single submitter. Criteria: Ambry Variant Classification Scheme 2023. Collection method: clinical testing. Allele origin: germline.

NM_177438.3(DICER1):c.2361T>C (p.Phe787=)

Gene: DICER1 (dicer 1, ribonuclease III; minus strand). Cytogenetic location: 14q32.13.
Variant type: single nucleotide variant.
Coding change: c.2361T>C on transcript NM_177438.3 (MANE Select); coding-DNA position 2361, T replaced by C.
Protein change: p.Phe787=; no amino-acid change (phenylalanine 787 retained).
Molecular consequence: synonymous variant.
Genome position (GRCh38, 1-based): chr14:95,108,399, A>G on the plus strand (T>C on the coding strand, the complement: DICER1 is on the minus strand). VCF-style: chr14-95108399-A-G. GRCh37 (hg19) VCF-style: chr14-95574736-A-G.
Other names: c.2361T>C, p.Phe787= (NM_001195573.1, NM_001271282.3, NM_001291628.2 and 1 more transcripts).
Identifiers: ClinVar variation 477101 (VCV000477101.19), dbSNP rs367950170, ClinGen allele CA265909837.
Genomic context (GRCh38, chr14:95,108,399, plus strand): 5'-GGCCGTCAGTATTCCAAAGCATCTTGTGGTATCTTCAGGAGGATAGAGCTTCCGCCTTCT[A>G]AAGTTGAGTTCATCAGGTAAAGGTGTAGTTAAAACCATTCCTATCACATACAGGTAACAG-3'
Protein context (NP_803187.1, residues 777-797): LTTPLPDELN[Phe787=]RRRKLYPPED